The following is an entry in ClinVar:

NM_007347.5(AP4E1):c.1808T>C (p.Met603Thr)

Gene: AP4E1 (adaptor related protein complex 4 subunit epsilon 1; plus strand). Cytogenetic location: 15q21.2.
Variant type: single nucleotide variant.
Coding change: c.1808T>C on transcript NM_007347.5 (MANE Select); coding-DNA position 1808, T replaced by C.
Protein change: p.Met603Thr; replaces methionine 603 with threonine.
Molecular consequence: missense variant.
Genome position (GRCh38, 1-based): chr15:50,958,751, T>C. VCF-style: chr15-50958751-T-C. GRCh37 (hg19) VCF-style: chr15-51250948-T-C.
Other names: c.1583T>C, p.Met528Thr (NM_001252127.2); short protein forms M528T, M603T.
Identifiers: ClinVar variation 1006783 (VCV001006783.8), dbSNP rs374123339, ClinGen allele CA7559158.

ClinVar aggregate classification (germline): Uncertain significance (1 of 4 stars; one submission).

Conditions:
Spastic paraplegia. Identifiers: MedGen C0037772, HP:0001258.

Allele frequency attached by ClinVar (database versions not stated): gnomAD exomes 0.00001; ExAC 0.00003; gnomAD 0.00003; TOPMed 0.00003; ESP Exome Variant Server 0.00008.
gnomAD v4.1: 22 of 1,614,062 alleles (0.0014%); highest among the groups gnomAD compares: Non-Finnish European, 0.0018%; no homozygotes.

Submission:

Labcorp Genetics (formerly Invitae), Labcorp
Classification: Uncertain significance for Spastic paraplegia. Last evaluated: 2024-10-17. Review status: criteria provided, single submitter. Criteria: Invitae Variant Classification Sherloc (09022015). Collection method: clinical testing. Allele origin: germline.
Comment: This sequence change replaces methionine, which is neutral and non-polar, with threonine, which is neutral and polar, at codon 603 of the AP4E1 protein (p.Met603Thr). This variant is present in population databases (rs374123339, gnomAD 0.007%). This variant has not been reported in the literature in individuals affected with AP4E1-related conditions. ClinVar contains an entry for this variant (Variation ID: 1006783). An algorithm developed to predict the effect of missense changes on protein structure and function (PolyPhen-2) suggests that this variant is likely to be tolerated. In summary, the available evidence is currently insufficient to determine the role of this variant in disease. Therefore, it has been classified as a Variant of Uncertain Significance.